The following is an entry in ClinVar:

NM_133433.4(NIPBL):c.6222G>A (p.Met2074Ile)

Gene: NIPBL (NIPBL cohesin loading factor; plus strand). Cytogenetic location: 5p13.2.
Variant type: single nucleotide variant.
Coding change: c.6222G>A on transcript NM_133433.4 (MANE Select); coding-DNA position 6222, G replaced by A.
Protein change: p.Met2074Ile; replaces methionine 2074 with isoleucine.
Molecular consequence: missense variant.
Genome position (GRCh38, 1-based): chr5:37,044,460, G>A. VCF-style: chr5-37044460-G-A. GRCh37 (hg19) VCF-style: chr5-37044562-G-A.
Other names: c.6222G>A, p.Met2074Ile (NM_015384.5); short protein forms M2074I.
Identifiers: ClinVar variation 2431664 (VCV002431664.1), dbSNP rs2478576960, ClinGen allele CA359502490.
Genomic context (GRCh38, chr5:37,044,460, plus strand): 5'-TGTACCACTGATGGAGCATCCAAGTGAAACTTTTCTTGCCACTATTGAGGAAGATCTAAT[G>A]AAGCTCATCATCAAATATGGCATGACTGTAAGCACTCAGTTTACCATTTCTTTATTCATT-3'
Protein context (NP_597677.2, residues 2064-2084): TFLATIEEDL[Met2074Ile]KLIIKYGMTV

ClinVar aggregate classification (germline): Uncertain significance (1 of 4 stars; one submission).

Conditions:
Cornelia de Lange syndrome 1 (CDLS1). Also called: Brachmann de Lange syndrome; TYPUS DEGENERATIVUS AMSTELODAMENSIS; NIPBL-Related Cornelia de Lange Syndrome. Identifiers: Orphanet 199, MedGen C4551851, MONDO:0007387, OMIM 122470.

Submission:

Laboratorio de Genetica e Diagnostico Molecular, Hospital Israelita Albert Einstein
Classification: Uncertain significance for Cornelia de Lange syndrome 1. Last evaluated: 2022-08-05. Review status: criteria provided, single submitter. Criteria: ACMG Guidelines, 2015. Collection method: clinical testing. Allele origin: germline. Affected: yes. Observed: 1 variant allele.
Comment: ACMG classification criteria: PM2 moderated, PM5 moderated, PP2 supporting